The following is an entry in ClinVar:

NM_182760.4(SUMF1):c.412_413del (p.Lys138fs)

Gene: SUMF1 (sulfatase modifying factor 1; minus strand). Cytogenetic location: 3p26.1.
Variant type: Deletion.
Coding change: c.412_413del on transcript NM_182760.4 (MANE Select); coding-DNA positions 412 to 413, 2 bases deleted (AA; older notation c.412_413delAA).
Protein change: p.Lys138fs; shifts the reading frame from lysine 138.
Molecular consequence: frameshift variant.
Genome position (GRCh38, 1-based): chr3:4,452,907-4,452,908, TT deleted on the plus strand (AA on the coding strand, the reverse complement: SUMF1 is on the minus strand). VCF-style (leftmost placement, unchanged base first): chr3-4452906-CTT-C. GRCh37 (hg19) VCF-style: chr3-4494590-CTT-C.
Other names: c.412_413del, p.Lys138fs (NM_001164674.2, NM_001164675.2); short protein forms K138fs.
Identifiers: ClinVar variation 2823128 (VCV002823128.3), dbSNP rs2470006009, ClinGen allele CA2739279353.

ClinVar aggregate classification (germline): Pathogenic (1 of 4 stars; one submission).

Conditions:
Multiple sulfatase deficiency (MSD). Also called: Mucosulfatidosis; Multiple Sulfatase Deficiency Disease; Sulfatidosis, Juvenile, Austin Type. Identifiers: Orphanet 585, MedGen C0268263, MONDO:0010088, OMIM 272200.

Submission:

Labcorp Genetics (formerly Invitae), Labcorp
Classification: Pathogenic for Multiple sulfatase deficiency. Last evaluated: 2022-12-31. Review status: criteria provided, single submitter. Criteria: Invitae Variant Classification Sherloc (09022015). Collection method: clinical testing. Allele origin: germline.
Comment: For these reasons, this variant has been classified as Pathogenic. This sequence change creates a premature translational stop signal (p.Lys138Valfs*12) in the SUMF1 gene. It is expected to result in an absent or disrupted protein product. Loss-of-function variants in SUMF1 are known to be pathogenic (PMID: 12757705, 12757706, 25885655). This variant is not present in population databases (gnomAD no frequency). This variant has not been reported in the literature in individuals affected with SUMF1-related conditions. Algorithms developed to predict the effect of sequence changes on RNA splicing suggest that this variant may create or strengthen a splice site.

Literature cited by the submitters: PubMed 12757705; PubMed 12757706; PubMed 25885655.